The following is an entry in ClinVar:

NM_002691.4(POLD1):c.1103T>C (p.Val368Ala)

Gene: POLD1 (DNA polymerase delta 1, catalytic subunit; plus strand). Cytogenetic location: 19q13.33.
Variant type: single nucleotide variant.
Coding change: c.1103T>C on transcript NM_002691.4 (MANE Select); coding-DNA position 1103, T replaced by C.
Protein change: p.Val368Ala; replaces valine 368 with alanine.
Molecular consequence: missense variant. On other transcripts: non-coding transcript variant (1).
Genome position (GRCh38, 1-based): chr19:50,403,185, T>C. VCF-style: chr19-50403185-T-C. GRCh37 (hg19) VCF-style: chr19-50906442-T-C.
Other names: c.1103T>C, p.Val368Ala (NM_001256849.1, NM_001308632.1, NM_001438210.1 and 3 more transcripts); short protein forms V368A.
Identifiers: ClinVar variation 4704447 (VCV004704447.1).

ClinVar aggregate classification (germline): Uncertain significance (1 of 4 stars; one submission).

Conditions:
POLD1-related polyposis and colorectal cancer syndrome (CRCS10). Also called: COLORECTAL CANCER, SUSCEPTIBILITY TO, ON CHROMOSOME 19q; Colorectal cancer 10; Colorectal cancer, susceptibility to, 10. Identifiers: Orphanet 220460, MedGen C2675481, MONDO:0012953, OMIM 612591.

Submission:

Labcorp Genetics (formerly Invitae), Labcorp
Classification: Uncertain significance for POLD1-related polyposis and colorectal cancer syndrome. Last evaluated: 2025-09-30. Review status: criteria provided, single submitter. Criteria: Invitae Variant Classification Sherloc (09022015). Collection method: clinical testing. Allele origin: germline.
Comment: This sequence change replaces valine, which is neutral and non-polar, with alanine, which is neutral and non-polar, at codon 368 of the POLD1 protein (p.Val368Ala). This variant is not present in population databases (gnomAD no frequency). This variant has not been reported in the literature in individuals affected with POLD1-related conditions. Invitae Evidence Modeling of protein sequence and biophysical properties (such as structural, functional, and spatial information, amino acid conservation, physicochemical variation, residue mobility, and thermodynamic stability) indicates that this missense variant is expected to disrupt POLD1 protein function with a positive predictive value of 80%. In summary, the available evidence is currently insufficient to determine the role of this variant in disease. Therefore, it has been classified as a Variant of Uncertain Significance.